The following is an entry in ClinVar:

ClinVar aggregate classification (germline): Likely benign. Review status: criteria provided, multiple submitters, no conflicts (2 of 4 stars). 6 submissions from 6 submitters: Likely benign (5). 1 of the submissions does not count toward it. Last evaluated 2025-11-24.

Conditions:
Cardiovascular phenotype. Identifiers: MedGen CN230736.
FLNC-related disorder. Also called: FLNC-related condition; FLNC-related disorders.
Hypertrophic cardiomyopathy 26. Also called: Cardiomyopathy, familial hypertrophic, 26. Identifiers: Orphanet 75249, MedGen C4310749, MONDO:0014883, OMIM 617047.
Myofibrillar myopathy 5. Also called: Filaminopathy (type); FILAMINOPATHY, AUTOSOMAL DOMINANT. Identifiers: Orphanet 171445, MedGen C1836050, MONDO:0012289, OMIM 609524.
Distal myopathy with posterior leg and anterior hand involvement. Also called: WILLIAMS DISTAL MYOPATHY. Identifiers: Orphanet 63273, MedGen C3279722, MONDO:0013550, OMIM 614065.

Allele frequency attached by ClinVar (database versions not stated): ExAC 0.00003; gnomAD exomes 0.00005 and 0.00010; gnomAD 0.00008 and 0.00009; TOPMed 0.00011.
gnomAD v4.1: 159 of 1,613,714 alleles (0.0099%); highest among the groups gnomAD compares: Non-Finnish European, 0.013%; no homozygotes.

Submissions (6):

Labcorp Genetics (formerly Invitae), Labcorp
Classification: Likely benign for Distal myopathy with posterior leg and anterior hand involvement; Myofibrillar myopathy 5; Hypertrophic cardiomyopathy 26. Last evaluated: 2025-11-24. Review status: criteria provided, single submitter. Criteria: Invitae Variant Classification Sherloc (09022015). Collection method: clinical testing. Allele origin: germline.

Blueprint Genetics
Classification: Likely benign. Last evaluated: 2024-07-19. Review status: criteria provided, single submitter. Criteria: ACMG Guidelines, 2015. Collection method: clinical testing. Allele origin: germline.

CeGaT Center for Human Genetics Tuebingen
Classification: Likely benign. Last evaluated: 2022-04-01. Review status: criteria provided, single submitter. Criteria: CeGaT Center For Human Genetics Tuebingen Variant Classification Criteria Version 2. Collection method: clinical testing. Allele origin: germline. Affected: yes. Observed: 1 variant allele.
Comment: FLNC: BP4, BP7

GeneDx
Classification: Likely benign. Last evaluated: 2020-10-20. Review status: criteria provided, single submitter. Criteria: GeneDx Variant Classification Process June 2021. Collection method: clinical testing. Allele origin: germline. Affected: yes.

Ambry Genetics
Classification: Likely benign for Cardiovascular phenotype. Last evaluated: 2019-04-19. Review status: criteria provided, single submitter. Criteria: Ambry Variant Classification Scheme 2023. Collection method: clinical testing. Allele origin: germline.

PreventionGenetics, part of Exact Sciences
Classification: Likely benign for FLNC-related condition. Last evaluated: 2020-08-17. Review status: no assertion criteria provided. Collection method: clinical testing. Allele origin: germline. Not counted in ClinVar's aggregate classification.
Comment: This variant is classified as likely benign based on ACMG/AMP sequence variant interpretation guidelines (Richards et al. 2015 PMID: 25741868, with internal and published modifications).

NM_001458.5(FLNC):c.3972T>C (p.His1324=)

Gene: FLNC (filamin C; plus strand). Cytogenetic location: 7q32.1.
Variant type: single nucleotide variant.
Coding change: c.3972T>C on transcript NM_001458.5 (MANE Select); coding-DNA position 3972, T replaced by C.
Protein change: p.His1324=; no amino-acid change (histidine 1324 retained).
Molecular consequence: synonymous variant.
Genome position (GRCh38, 1-based): chr7:128,846,308, T>C. VCF-style: chr7-128846308-T-C. GRCh37 (hg19) VCF-style: chr7-128486362-T-C.
Other names: c.3972T>C, p.His1324= (NM_001127487.2).
Identifiers: ClinVar variation 472054 (VCV000472054.43), dbSNP rs201922688, ClinGen allele CA4475215.